The following is an entry in ClinVar:

NM_001424.6(EMP2):c.497G>A (p.Arg166His)

Gene: EMP2 (epithelial membrane protein 2; minus strand). Cytogenetic location: 16p13.13.
Variant type: single nucleotide variant.
Coding change: c.497G>A on transcript NM_001424.6 (MANE Select); coding-DNA position 497, G replaced by A.
Protein change: p.Arg166His; replaces arginine 166 with histidine.
Molecular consequence: missense variant.
Genome position (GRCh38, 1-based): chr16:10,532,912, C>T on the plus strand (G>A on the coding strand, the complement: EMP2 is on the minus strand). VCF-style: chr16-10532912-C-T. GRCh37 (hg19) VCF-style: chr16-10626769-C-T.
Other names: short protein forms R166H.
Identifiers: ClinVar variation 1312429 (VCV001312429.8), dbSNP rs138530114, ClinGen allele CA7897709.

ClinVar aggregate classification (germline): Uncertain significance. Review status: criteria provided, multiple submitters, no conflicts (2 of 4 stars). 4 submissions from 4 submitters: Uncertain significance (4). Last evaluated 2024-03-07.

Conditions:
Nephrotic syndrome, type 10 (NPHS10). Identifiers: MedGen C4014507, MONDO:0014373, OMIM 615861.

Allele frequency attached by ClinVar (database versions not stated): ExAC 0.00003; gnomAD exomes 0.00003; TOPMed 0.00004; gnomAD 0.00007; ESP Exome Variant Server 0.00008.
gnomAD v4.1: 54 of 1,535,390 alleles (0.0035%); highest among the groups gnomAD compares: Middle Eastern, 0.021%; no homozygotes.

Submissions (4):

Ambry Genetics
Classification: Uncertain significance. Last evaluated: 2024-03-07. Review status: criteria provided, single submitter. Criteria: Ambry Variant Classification Scheme 2023. Collection method: clinical testing. Allele origin: germline.
Comment: Does not currently meet published gene-disease clinical validity criteria Based on insufficient or conflicting evidence, the clinical significance of this alteration remains unclear.

Fulgent Genetics
Classification: Uncertain significance for Nephrotic syndrome, type 10. Last evaluated: 2021-11-09. Review status: criteria provided, single submitter. Criteria: ACMG Guidelines, 2015. Collection method: clinical testing. Allele origin: unknown.

Labcorp Genetics (formerly Invitae), Labcorp
Classification: Uncertain significance. Last evaluated: 2021-08-25. Review status: criteria provided, single submitter. Criteria: Invitae Variant Classification Sherloc (09022015). Collection method: clinical testing. Allele origin: germline.
Comment: This variant is present in population databases (rs138530114, ExAC 0.02%). This sequence change replaces arginine with histidine at codon 166 of the EMP2 protein (p.Arg166His). The arginine residue is highly conserved and there is a small physicochemical difference between arginine and histidine. This variant has not been reported in the literature in individuals affected with EMP2-related conditions. Algorithms developed to predict the effect of missense changes on protein structure and function (SIFT, PolyPhen-2, Align-GVGD) all suggest that this variant is likely to be disruptive. In summary, the available evidence is currently insufficient to determine the role of this variant in disease. Therefore, it has been classified as a Variant of Uncertain Significance.

GeneDx
Classification: Uncertain significance. Last evaluated: 2019-10-01. Review status: criteria provided, single submitter. Criteria: GeneDx Variant Classification Process June 2021. Collection method: clinical testing. Allele origin: germline. Affected: yes.
Comment: In silico analysis, which includes protein predictors and evolutionary conservation, supports a deleterious effect; Has not been previously published as pathogenic or benign to our knowledge

Literature cited by the submitters: PubMed 28106320 (cited by Ambry Genetics).